The following is an entry in ClinVar:

NM_003119.4(SPG7):c.1552+1G>T

Gene: SPG7 (SPG7 matrix AAA peptidase subunit, paraplegin; plus strand). Cytogenetic location: 16q24.3.
Variant type: single nucleotide variant.
Coding change: c.1552+1G>T on transcript NM_003119.4 (MANE Select); the canonical splice donor site of the intron after coding-DNA position 1552, G replaced by T.
Molecular consequence: splice donor variant.
Genome position (GRCh38, 1-based): chr16:89,546,761, G>T. VCF-style: chr16-89546761-G-T. GRCh37 (hg19) VCF-style: chr16-89613169-G-T.
Other names: c.1552+1G>T (NM_001363850.1).
Identifiers: ClinVar variation 807498 (VCV000807498.64), dbSNP rs141644720, ClinGen allele CA8244236.
Genomic context (GRCh38, chr16:89,546,761, plus strand): 5'-TGACCCAGTCCAGCACCTTTTACTCCCAGCGTCTGGCAGAGCTGACACCAGGATTCAGTG[G>T]TACGTTCTCAACCCGCAGCCTGGGCAGCGTCACGTCCTGAGGGCAGGTGGTGTCACCTGC-3'

ClinVar aggregate classification (germline): Pathogenic/Likely pathogenic. Review status: criteria provided, multiple submitters, no conflicts (2 of 4 stars). 13 submissions from 13 submitters: Pathogenic (11); Likely pathogenic (1). 1 of the submissions does not count toward it. Last evaluated 2025-10-15.

Conditions:
Hereditary spastic paraplegia. Also called: Familial spastic paraparesis. Identifiers: Orphanet 685, MedGen C0037773, MONDO:0019064. Disease mechanism: loss of function.
SPG7-related disorder. Also called: SPG7-related condition.
Hereditary spastic paraplegia 7 (SPG7). Also called: Autosomal recessive spastic paraplegia type 7; SPASTIC PARAPLEGIA 7, AUTOSOMAL RECESSIVE, WITH OR WITHOUT CEREBELLAR ATAXIA; SPG7-related neurologic disorder; Spastic paraplegia 7; Hereditary spastic paraplegia Paraplegin type. Identifiers: Orphanet 99013, MedGen C1846564, MONDO:0011803, OMIM 607259.

Allele frequency attached by ClinVar (database versions not stated): ExAC 0.00003; gnomAD 0.00003; TOPMed 0.00003; ESP Exome Variant Server 0.00015.
gnomAD v4.1: 29 of 1,603,830 alleles (0.0018%); highest among the groups gnomAD compares: Non-Finnish European, 0.0024%; no homozygotes.

Submissions (14):

Variantyx, Inc.
Classification: Pathogenic for Hereditary spastic paraplegia 7. Last evaluated: 2025-10-15. Review status: criteria provided, single submitter. Criteria: Variantyx Assertion Criteria 2022. Collection method: clinical testing. Allele origin: germline. Inheritance: Autosomal recessive inheritance. Affected: no.
Comment: This is a canonical splicing variant in the SPG7 gene (OMIM: 602783). Pathogenic variants in this gene have been associated with autosomal recessive spastic paraplegia 7. This splicing variant is expected to result in loss of function, which is a known disease mechanism for SPG7 in this disorder (PMID: 31407473) (PVS1). This variant has been identified in the homozygous or compound heterozygous state in at least 2 individuals reported in the published literature (PMID: 31407473, 20108356)(PM3). The maximum allele frequency in non-founder control populations is 0.0024% (PM2). Based on the current evidence, this variant is classified as pathogenic for autosomal recessive spastic paraplegia 7.

Labcorp Genetics (formerly Invitae), Labcorp
Classification: Pathogenic for Hereditary spastic paraplegia 7. Last evaluated: 2025-09-10. Review status: criteria provided, single submitter. Criteria: Invitae Variant Classification Sherloc (09022015). Collection method: clinical testing. Allele origin: germline.
Comment: This sequence change affects a donor splice site in intron 11 of the SPG7 gene. RNA analysis indicates that disruption of this splice site induces altered splicing and may result in an absent or altered protein product. This variant is present in population databases (rs141644720, gnomAD 0.004%). Disruption of this splice site has been observed in individuals with spastic paraplegia (PMID: 20108356, 31407473). ClinVar contains an entry for this variant (Variation ID: 807498). Studies have shown that disruption of this splice site results in mRNA lacking exon 11, and produces a non-functional protein and/or introduces a premature termination codon (PMID: 20108356). For these reasons, this variant has been classified as Pathogenic.

GeneDx
Classification: Pathogenic. Last evaluated: 2025-06-25. Review status: criteria provided, single submitter. Criteria: GeneDx Variant Classification Process June 2021. Collection method: clinical testing. Allele origin: germline. Affected: yes.
Comment: Published functional studies demonstrate a damaging effect; c.1552+1 G>T destroys the canonical splice donor site in intron 11, and RNA studies demonstrate skipping of exon 11 which results in a frameshift and premature stop codon (PMID: 20108356); Canonical splice site variant predicted to result in a null allele in a gene for which loss of function is a known mechanism of disease; This variant is associated with the following publications: (PMID: 29908077, 21623769, 25525159, 31407473, 31692161, 32893728, 32447552, 34983064, 20108356)

CeGaT Center for Human Genetics Tuebingen
Classification: Pathogenic. Last evaluated: 2025-01-01. Review status: criteria provided, single submitter. Criteria: CeGaT Center For Human Genetics Tuebingen Variant Classification Criteria Version 2. Collection method: clinical testing. Allele origin: germline. Affected: yes. Observed: 4 variant alleles.
Comment: SPG7: PM3:Very Strong, PVS1, PM2

PROSPAX: an integrated multimodal progression  chart in spastic ataxias, Center for Neurology; Hertie-Institute for Clinical Brain Research
Classification: Pathogenic for Hereditary spastic paraplegia 7. Last evaluated: 2022-01-01. Review status: criteria provided, single submitter. Criteria: ACMG Guidelines, 2015. Collection method: research. Allele origin: germline. Affected: yes. Observed: 7 variant alleles, 4 compound heterozygotes, 3 homozygotes.

Institute of Medical Genetics and Applied Genomics, University Hospital Tübingen
Classification: Pathogenic. Last evaluated: 2021-09-15. Review status: criteria provided, single submitter. Criteria: ACMG Guidelines, 2015. Collection method: clinical testing. Allele origin: germline. Inheritance: Autosomal recessive inheritance. Affected: yes.

Fulgent Genetics
Classification: Pathogenic for Hereditary spastic paraplegia 7. Last evaluated: 2021-07-12. Review status: criteria provided, single submitter. Criteria: ACMG Guidelines, 2015. Collection method: clinical testing. Allele origin: unknown.

Institute of Human Genetics, University of Leipzig Medical Center
Classification: Pathogenic for Hereditary spastic paraplegia 7. Last evaluated: 2021-04-08. Review status: criteria provided, single submitter. Criteria: ACMG Guidelines, 2015. Collection method: clinical testing. Allele origin: unknown. Affected: yes.
Comment: This variant was identified as compound heterozygous with NM_003119.4:c.1529C>T.

Institute of Human Genetics Munich, TUM University Hospital
Classification: Pathogenic for Hereditary spastic paraplegia 7. Last evaluated: 2019-06-07. Review status: criteria provided, single submitter. Criteria: Classification criteria August 2017. Collection method: clinical testing. Allele origin: germline. Inheritance: Autosomal recessive inheritance. Affected: yes. Observed: 2 homozygotes.

Blueprint Genetics
Classification: Pathogenic for SPG7-related disorders. Last evaluated: 2018-12-19. Review status: criteria provided, single submitter. Criteria: ACMG Guidelines, 2015. Collection method: clinical testing. Allele origin: germline. Affected: yes. Observed: 1 variant allele.

Genome Diagnostics Laboratory, The Hospital for Sick Children
Classification: Likely pathogenic for Hereditary spastic paraplegia. Last evaluated: 2018-09-01. Review status: criteria provided, single submitter. Criteria: ACMG Guidelines, 2015. Collection method: clinical testing. Allele origin: germline. Affected: yes.

Paris Brain Institute, Inserm - ICM
Classification: Pathogenic for Hereditary spastic paraplegia 7. Review status: criteria provided, single submitter. Criteria: ACMG Guidelines, 2015. Collection method: clinical testing. Allele origin: unknown. Affected: yes. Observed: 2 variant alleles.

Zotz-Klimas Genetics Lab, MVZ Zotz Klimas
Classification: Pathogenic for Hereditary spastic paraplegia 7. Last evaluated: 2023-11-02. Review status: no assertion criteria provided. Collection method: clinical testing. Allele origin: germline. Affected: yes. Not counted in ClinVar's aggregate classification.

Dr. Peter K. Rogan Lab, Western University
No classification provided (evidence only). Condition: Cervical cancer. Review status: no classification provided. Collection method: in vitro. Allele origin: not applicable. Functional consequence: skipped exon, retained intron. Not counted in ClinVar's aggregate classification.

Literature cited by the submitters: PubMed 31407473 (cited by Variantyx, Inc. and Labcorp Genetics (formerly Invitae), Labcorp); PubMed 20108356 (cited by Variantyx, Inc. and Labcorp Genetics (formerly Invitae), Labcorp).